The following is an entry in ClinVar:

NM_018451.5(CPAP):c.2782G>A (p.Ala928Thr)

Gene: CPAP (centrosome assembly and centriole elongation protein; minus strand). Cytogenetic location: 13q12.13.
Variant type: single nucleotide variant.
Coding change: c.2782G>A on transcript NM_018451.5 (MANE Select); coding-DNA position 2782, G replaced by A.
Protein change: p.Ala928Thr; replaces alanine 928 with threonine.
Molecular consequence: missense variant. On other transcripts: non-coding transcript variant (2).
Genome position (GRCh38, 1-based): chr13:24,903,969, C>T on the plus strand (G>A on the coding strand, the complement: CPAP is on the minus strand). VCF-style: chr13-24903969-C-T. GRCh37 (hg19) VCF-style: chr13-25478107-C-T.
Other names: short protein forms A928T.
Identifiers: ClinVar variation 2183915 (VCV002183915.28), dbSNP rs747930436, ClinGen allele CA6919520.

ClinVar aggregate classification (germline): Uncertain significance. Review status: criteria provided, multiple submitters, no conflicts (2 of 4 stars). 2 submissions from 2 submitters: Uncertain significance (2). Last evaluated 2024-11-11.

Allele frequency attached by ClinVar (database versions not stated): gnomAD 0.00001; TOPMed 0.00001; ExAC 0.00003; gnomAD exomes 0.00003.
gnomAD v4.1: 47 of 1,613,994 alleles (0.0029%); highest among the groups gnomAD compares: Non-Finnish European, 0.0037%; no homozygotes.

Submissions (2):

Labcorp Genetics (formerly Invitae), Labcorp
Classification: Uncertain significance. Last evaluated: 2024-11-11. Review status: criteria provided, single submitter. Criteria: Invitae Variant Classification Sherloc (09022015). Collection method: clinical testing. Allele origin: germline.
Comment: This sequence change replaces alanine, which is neutral and non-polar, with threonine, which is neutral and polar, at codon 928 of the CENPJ protein (p.Ala928Thr). This variant is present in population databases (rs747930436, gnomAD 0.004%). This variant has not been reported in the literature in individuals affected with CENPJ-related conditions. ClinVar contains an entry for this variant (Variation ID: 2183915). Invitae Evidence Modeling of protein sequence and biophysical properties (such as structural, functional, and spatial information, amino acid conservation, physicochemical variation, residue mobility, and thermodynamic stability) indicates that this missense variant is not expected to disrupt CENPJ protein function with a negative predictive value of 80%. In summary, the available evidence is currently insufficient to determine the role of this variant in disease. Therefore, it has been classified as a Variant of Uncertain Significance.

CeGaT Center for Human Genetics Tuebingen
Classification: Uncertain significance. Last evaluated: 2023-03-01. Review status: criteria provided, single submitter. Criteria: CeGaT Center For Human Genetics Tuebingen Variant Classification Criteria Version 2. Collection method: clinical testing. Allele origin: germline. Affected: yes. Observed: 1 variant allele.
Comment: CPAP: PM2, BP4